The following is an entry in ClinVar:

ClinVar aggregate classification (germline): Uncertain significance (1 of 4 stars; one submission).

Conditions:
Familial adenomatous polyposis 1 (FAP1). Also called: FAMILIAL ADENOMATOUS POLYPOSIS 1, ATTENUATED; POLYPOSIS, ADENOMATOUS INTESTINAL. Identifiers: MedGen C2713442, MONDO:0021056, OMIM 175100. Disease mechanism: loss of function.

Submission:

Labcorp Genetics (formerly Invitae), Labcorp
Classification: Uncertain significance for Familial adenomatous polyposis 1. Last evaluated: 2026-01-19. Review status: criteria provided, single submitter. Criteria: Invitae Variant Classification Sherloc (09022015). Collection method: clinical testing. Allele origin: germline.
Comment: This variant occurs in a non-coding region of the APC gene. It does not change the encoded amino acid sequence of the APC protein. Information on the frequency of this variant in the gnomAD database is not available, as this variant may be reported differently in the database. This variant has not been reported in the literature in individuals affected with APC-related conditions. ClinVar contains an entry for this variant (Variation ID: 666098). Experimental studies and prediction algorithms are not available or were not evaluated, and the functional significance of this variant is currently unknown. In summary, the available evidence is currently insufficient to determine the role of this variant in disease. Therefore, it has been classified as a Variant of Uncertain Significance.

NM_001127511.3(APC):c.-133_-132delinsGC

Gene: APC (APC regulator of Wnt signaling pathway; plus strand). Cytogenetic location: 5q22.2.
Variant type: Indel.
Coding change: c.-133_-132delinsGC on transcript NM_001127511.3; 133 bases upstream of the start codon through 132 bases upstream of the start codon, CG replaced by GC.
Molecular consequence: 5 prime UTR variant. On other transcripts: non-coding transcript variant (2).
Genome position (GRCh38, 1-based): chr5:112,707,585-112,707,586, CG replaced by GC. VCF-style: chr5-112707585-CG-GC. GRCh37 (hg19) VCF-style: chr5-112043282-CG-GC.
Other names: c.-316_-315delinsGC (NM_001354895.2, NM_001407447.1, NM_001407452.1 and 3 more transcripts); c.-133_-132delinsGC (NM_001354897.2, NM_001354902.2, NM_001407446.1); c.-83_-82delinsGC (NM_001407448.1, NM_001407450.1, NM_001407457.1 and 1 more transcripts); c.-107_-106delinsGC (NM_001407453.1); c.-1351_-1350delinsGC (NM_001407470.1, NM_001407472.1).
Identifiers: ClinVar variation 666098 (VCV000666098.8), dbSNP rs1580996199, ClinGen allele CA915943584.